The following is an entry in ClinVar:

ClinVar aggregate classification (germline): Pathogenic. Review status: criteria provided, multiple submitters, no conflicts (2 of 4 stars). 2 submissions from 2 submitters: Pathogenic (2). Last evaluated 2024-09-06.

Conditions:
Telangiectasia, hereditary hemorrhagic, type 2 (HHT2). Also called: ACVRL1-Related Hereditary Hemorrhagic Telangiectasia; Telangiectasia, hereditary hemorrhagic, type II. Identifiers: Orphanet 774, MedGen C1838163, MONDO:0010880, OMIM 600376. Disease mechanism: loss of function.
Cardiovascular phenotype. Identifiers: MedGen CN230736.

Submissions (2):

Labcorp Genetics (formerly Invitae), Labcorp
Classification: Pathogenic for Telangiectasia, hereditary hemorrhagic, type 2. Last evaluated: 2024-09-06. Review status: criteria provided, single submitter. Criteria: Invitae Variant Classification Sherloc (09022015). Collection method: clinical testing. Allele origin: germline.
Comment: This sequence change replaces glycine, which is neutral and non-polar, with aspartic acid, which is acidic and polar, at codon 309 of the ACVRL1 protein (p.Gly309Asp). This variant is not present in population databases (gnomAD no frequency). This missense change has been observed in individual(s) with hereditary hemorrhagic telangiectasia (internal data). ClinVar contains an entry for this variant (Variation ID: 1766394). Invitae Evidence Modeling of protein sequence and biophysical properties (such as structural, functional, and spatial information, amino acid conservation, physicochemical variation, residue mobility, and thermodynamic stability) indicates that this missense variant is expected to disrupt ACVRL1 protein function with a positive predictive value of 95%. This variant disrupts the p.Gly309 amino acid residue in ACVRL1. Other variant(s) that disrupt this residue have been determined to be pathogenic (PMID: 15517393, 16705692, 22991266, 26245826). This suggests that this residue is clinically significant, and that variants that disrupt this residue are likely to be disease-causing. For these reasons, this variant has been classified as Pathogenic.

Ambry Genetics
Classification: Pathogenic for Cardiovascular phenotype. Last evaluated: 2020-01-17. Review status: criteria provided, single submitter. Criteria: Ambry Variant Classification Scheme 2023. Collection method: clinical testing. Allele origin: germline.
Comment: The p.G309D pathogenic mutation (also known as c.926G>A), located in coding exon 6 of the ACVRL1 gene, results from a G to A substitution at nucleotide position 926. The glycine at codon 309 is replaced by aspartic acid, an amino acid with similar properties. This mutation has been detected by our laboratory in multiple individuals with epistaxes, telangiectasias, and arteriovenous malformations. In addition, alterations at the same codon (p.G309C, p.G309S and p.G309V) have been reported in individuals meeting Curacao diagnostic criteria for hereditary hemorrhagic telangiectasia (Letteboer TG et al. Hum. Genet., 2005 Jan;116:8-16; Lesca G et al. Hum. Mutat., 2006 Jun;27:598; Du J et al. J. Thromb. Thrombolysis, 2015 Nov;40:515-9; Chang SA et al. Heart Vessels, 2011 Mar;26:231-4). This variant was not reported in population-based cohorts in the Genome Aggregation Database (gnomAD). Based on internal structural analysis, G309D strongly disrupts the kinase domain of ACVRL1 by introducing a large, positively-charged side chain into a sensitive and functionally critical region of the protein (Kerr G et al. Angiogenesis, 2015 Apr;18:209-17). This amino acid position is highly conserved in available vertebrate species. In addition, this alteration is predicted to be deleterious by in silico analysis. Based on the supporting evidence, this alteration is interpreted as a disease-causing mutation.

Literature cited by the submitters: PubMed 15517393 (cited by Labcorp Genetics (formerly Invitae), Labcorp and Ambry Genetics); PubMed 16705692 (cited by Labcorp Genetics (formerly Invitae), Labcorp and Ambry Genetics); PubMed 22991266 (cited by Labcorp Genetics (formerly Invitae), Labcorp); PubMed 26245826 (cited by Labcorp Genetics (formerly Invitae), Labcorp and Ambry Genetics); PubMed 21132305 (cited by Ambry Genetics); PubMed 25557927 (cited by Ambry Genetics).

NM_000020.3(ACVRL1):c.926G>A (p.Gly309Asp)

Gene: ACVRL1 (activin A receptor like type 1; plus strand). Cytogenetic location: 12q13.13.
Variant type: single nucleotide variant.
Coding change: c.926G>A on transcript NM_000020.3 (MANE Select); coding-DNA position 926, G replaced by A.
Protein change: p.Gly309Asp; replaces glycine 309 with aspartic acid.
Molecular consequence: missense variant.
Genome position (GRCh38, 1-based): chr12:51,915,378, G>A. VCF-style: chr12-51915378-G-A. GRCh37 (hg19) VCF-style: chr12-52309162-G-A.
Other names: c.926G>A, p.Gly309Asp (NM_001077401.2, NM_001406487.1, NM_001406488.1 and 1 more transcripts); c.614G>A, p.Gly205Asp (NM_001406490.1, NM_001406491.1, NM_001406492.1 and 2 more transcripts); c.362G>A, p.Gly121Asp (NM_001406495.1); short protein forms G309D, G205D, G121D.
Identifiers: ClinVar variation 1766394 (VCV001766394.4), dbSNP rs2540164531, ClinGen allele CA384901054.